The following is an entry in ClinVar:

NM_032634.4(PIGO):c.2355C>T (p.Gly785=)

Gene: PIGO (phosphatidylinositol glycan anchor biosynthesis class O; minus strand). Cytogenetic location: 9p13.3.
Variant type: single nucleotide variant.
Coding change: c.2355C>T on transcript NM_032634.4 (MANE Select); coding-DNA position 2355, C replaced by T.
Protein change: p.Gly785=; no amino-acid change (glycine 785 retained).
Molecular consequence: synonymous variant. On other transcripts: intron variant (2).
Genome position (GRCh38, 1-based): chr9:35,091,532, G>A on the plus strand (C>T on the coding strand, the complement: PIGO is on the minus strand). VCF-style: chr9-35091532-G-A. GRCh37 (hg19) VCF-style: chr9-35091529-G-A.
Other names: c.1345-241C>T (NM_152850.4, NM_001201484.2).
Identifiers: ClinVar variation 856274 (VCV000856274.10), dbSNP rs766309673, ClinGen allele CA5040428.
Genomic context (GRCh38, chr9:35,091,532, plus strand): 5'-CTGCATGTGTCGGTAGATTTGAGGGACCACATAATCCAAGTCAGCTTGAGAAGTGGGGGG[G>A]CCTGAGAAGGGAGTGAGGACAGTCCTGGTCCTTGGAGCGCCTGCCCCAGCCTTCACCAGC-3'
Protein context (NP_116023.2, residues 775-795): RTRTVLTPFS[Gly785=]PPTSQADLDY

ClinVar aggregate classification (germline): Uncertain significance (1 of 4 stars; one submission).

Conditions:
Hyperphosphatasia with impaired intellectual development syndrome 2. Also called: Hyperphosphatasia with intellectual disability syndrome 2; GLYCOSYLPHOSPHATIDYLINOSITOL BIOSYNTHESIS DEFECT 6. Identifiers: Orphanet 247262, MedGen C3553637, MONDO:0013882, OMIM 614749.

Allele frequency attached by ClinVar (database versions not stated): gnomAD 0.00001; TOPMed 0.00001; gnomAD exomes below 0.00001; ExAC 0.00001.
gnomAD v4.1: 2 of 1,614,070 alleles (0.00012%); highest among the groups gnomAD compares: Non-Finnish European, 0.00017%; no homozygotes.

Submission:

Labcorp Genetics (formerly Invitae), Labcorp
Classification: Uncertain significance for Hyperphosphatasia with impaired intellectual development syndrome 2. Last evaluated: 2020-02-06. Review status: criteria provided, single submitter. Criteria: Invitae Variant Classification Sherloc (09022015). Collection method: clinical testing. Allele origin: germline.
Comment: In summary, the available evidence is currently insufficient to determine the role of this variant in disease. Therefore, it has been classified as a Variant of Uncertain Significance. Algorithms developed to predict the effect of sequence changes on RNA splicing suggest that this variant may create or strengthen a splice site, but this prediction has not been confirmed by published transcriptional studies. This variant has not been reported in the literature in individuals with PIGO-related conditions. This variant is present in population databases (rs766309673, ExAC 0.002%). This sequence change affects codon 785 of the PIGO mRNA. It is a 'silent' change, meaning that it does not change the encoded amino acid sequence of the PIGO protein.